The following is an entry in ClinVar:

NM_004863.4(SPTLC2):c.466T>C (p.Tyr156His)

Gene: SPTLC2 (serine palmitoyltransferase long chain base subunit 2; minus strand). Cytogenetic location: 14q24.3.
Variant type: single nucleotide variant.
Coding change: c.466T>C on transcript NM_004863.4 (MANE Select); coding-DNA position 466, T replaced by C.
Protein change: p.Tyr156His; replaces tyrosine 156 with histidine.
Molecular consequence: missense variant.
Genome position (GRCh38, 1-based): chr14:77,578,971, A>G on the plus strand (T>C on the coding strand, the complement: SPTLC2 is on the minus strand). VCF-style: chr14-77578971-A-G. GRCh37 (hg19) VCF-style: chr14-78045314-A-G.
Other names: short protein forms Y156H.
Identifiers: ClinVar variation 1022203 (VCV001022203.8), dbSNP rs2079732561, ClinGen allele CA390700457.

ClinVar aggregate classification (germline): Uncertain significance (1 of 4 stars; one submission).

Conditions:
Neuropathy, hereditary sensory and autonomic, type 1C. Also called: HSAN IC; HSN IC. Identifiers: Orphanet 36386, MedGen C3150896, MONDO:0013337, OMIM 613640.

Submission:

Labcorp Genetics (formerly Invitae), Labcorp
Classification: Uncertain significance for Neuropathy, hereditary sensory and autonomic, type 1C. Last evaluated: 2018-05-30. Review status: criteria provided, single submitter. Criteria: Invitae Variant Classification Sherloc (09022015). Collection method: clinical testing. Allele origin: germline.
Comment: This sequence change replaces tyrosine with histidine at codon 156 of the SPTLC2 protein (p.Tyr156His). The tyrosine residue is moderately conserved and there is a moderate physicochemical difference between tyrosine and histidine. This variant is not present in population databases (ExAC no frequency). This variant has not been reported in the literature in individuals with SPTLC2-related disease. Algorithms developed to predict the effect of missense changes on protein structure and function (SIFT, PolyPhen-2, Align-GVGD) all suggest that this variant is likely to be tolerated, but these predictions have not been confirmed by published functional studies and their clinical significance is uncertain. In summary, the available evidence is currently insufficient to determine the role of this variant in disease. Therefore, it has been classified as a Variant of Uncertain Significance.